The following is an entry in ClinVar:

ClinVar aggregate classification (germline): Uncertain significance (1 of 4 stars; one submission).

Conditions:
Baller-Gerold syndrome (BGS). Also called: CRANIOSYNOSTOSIS WITH RADIAL DEFECTS. Identifiers: Orphanet 1225, MedGen C0265308, MONDO:0009039, OMIM 218600.

Submission:

Labcorp Genetics (formerly Invitae), Labcorp
Classification: Uncertain significance for Baller-Gerold syndrome. Last evaluated: 2025-07-30. Review status: criteria provided, single submitter. Criteria: Invitae Variant Classification Sherloc (09022015). Collection method: clinical testing. Allele origin: germline.
Comment: This sequence change replaces threonine, which is neutral and polar, with methionine, which is neutral and non-polar, at codon 527 of the RECQL4 protein (p.Thr527Met). This variant is present in population databases (rs766354337, gnomAD 0.003%). This variant has not been reported in the literature in individuals affected with RECQL4-related conditions. ClinVar contains an entry for this variant (Variation ID: 856849). Invitae Evidence Modeling of protein sequence and biophysical properties (such as structural, functional, and spatial information, amino acid conservation, physicochemical variation, residue mobility, and thermodynamic stability) indicates that this missense variant is expected to disrupt RECQL4 protein function with a positive predictive value of 80%. In summary, the available evidence is currently insufficient to determine the role of this variant in disease. Therefore, it has been classified as a Variant of Uncertain Significance.

NM_004260.4(RECQL4):c.1580C>T (p.Thr527Met)

Gene: RECQL4 (RecQ like helicase 4; minus strand). Cytogenetic location: 8q24.3.
Variant type: single nucleotide variant.
Coding change: c.1580C>T on transcript NM_004260.4 (MANE Select); coding-DNA position 1580, C replaced by T.
Protein change: p.Thr527Met; replaces threonine 527 with methionine.
Molecular consequence: missense variant.
Genome position (GRCh38, 1-based): chr8:144,514,976, G>A on the plus strand (C>T on the coding strand, the complement: RECQL4 is on the minus strand). VCF-style: chr8-144514976-G-A. GRCh37 (hg19) VCF-style: chr8-145740360-G-A.
Other names: short protein forms T527M.
Identifiers: ClinVar variation 856849 (VCV000856849.6), dbSNP rs766354337, ClinGen allele CA187686963.